The following is an entry in ClinVar:

NM_003839.4(TNFRSF11A):c.660C>A (p.Phe220Leu)

Gene: TNFRSF11A (TNF receptor superfamily member 11a; plus strand). Cytogenetic location: 18q21.33.
Variant type: single nucleotide variant.
Coding change: c.660C>A on transcript NM_003839.4 (MANE Select); coding-DNA position 660, C replaced by A.
Protein change: p.Phe220Leu; replaces phenylalanine 220 with leucine.
Molecular consequence: missense variant. On other transcripts: intron variant (1).
Genome position (GRCh38, 1-based): chr18:62,361,723, C>A. VCF-style: chr18-62361723-C-A. GRCh37 (hg19) VCF-style: chr18-60028956-C-A.
Other names: c.660C>A, p.Phe220Leu (NM_001270949.2, NM_001270950.2); c.618C>A, p.Phe206Leu (NM_001278268.2); c.616+1674C>A (NM_001270951.2); short protein forms F206L, F220L.
Identifiers: ClinVar variation 2132182 (VCV002132182.5), dbSNP rs534076974, ClinGen allele CA8983826.

ClinVar aggregate classification (germline): Uncertain significance. Review status: criteria provided, multiple submitters, no conflicts (2 of 4 stars). 2 submissions from 2 submitters: Uncertain significance (2). Last evaluated 2026-05-13.

Conditions:
Inborn genetic diseases. Identifiers: MedGen C0950123, MeSH D030342.

gnomAD v4.1: 6 of 1,614,152 alleles (0.00037%); highest among the groups gnomAD compares: Non-Finnish European, 0.00051%; no homozygotes.

Submissions (2):

Ambry Genetics
Classification: Uncertain significance for Inborn genetic diseases. Last evaluated: 2026-05-13. Review status: criteria provided, single submitter. Criteria: Ambry Variant Classification Scheme 2023. Collection method: clinical testing. Allele origin: germline.

Labcorp Genetics (formerly Invitae), Labcorp
Classification: Uncertain significance. Last evaluated: 2022-05-29. Review status: criteria provided, single submitter. Criteria: Invitae Variant Classification Sherloc (09022015). Collection method: clinical testing. Allele origin: germline.
Comment: This sequence change replaces phenylalanine, which is neutral and non-polar, with leucine, which is neutral and non-polar, at codon 220 of the TNFRSF11A protein (p.Phe220Leu). This variant is present in population databases (rs534076974, gnomAD 0.002%). This variant has not been reported in the literature in individuals affected with TNFRSF11A-related conditions. Algorithms developed to predict the effect of missense changes on protein structure and function output the following: SIFT: "Deleterious"; PolyPhen-2: "Benign"; Align-GVGD: "Class C0". The leucine amino acid residue is found in multiple mammalian species, which suggests that this missense change does not adversely affect protein function. Algorithms developed to predict the effect of sequence changes on RNA splicing suggest that this variant may create or strengthen a splice site. In summary, the available evidence is currently insufficient to determine the role of this variant in disease. Therefore, it has been classified as a Variant of Uncertain Significance.